The following is an entry in ClinVar:

ClinVar aggregate classification (germline): Pathogenic/Likely pathogenic. Review status: criteria provided, multiple submitters, no conflicts (2 of 4 stars). 5 submissions from 5 submitters: Pathogenic (3); Likely pathogenic (1). 1 of the submissions does not count toward it. Last evaluated 2023-01-10.

Conditions:
Alstrom syndrome (ALMS). Identifiers: Orphanet 64, MedGen C0268425, MONDO:0008763, OMIM 203800.
ALMS1-related disorder. Also called: ALMS1-related condition.
Retinal disorder. Also called: Retinopathies; Retinal Diseases; Retinal disorders; Retinopathy. Identifiers: MedGen C0035309, MONDO:0005283, HP:0000488.

Submissions (5):

Labcorp Genetics (formerly Invitae), Labcorp
Classification: Pathogenic for Alstrom syndrome. Last evaluated: 2023-01-10. Review status: criteria provided, single submitter. Criteria: Invitae Variant Classification Sherloc (09022015). Collection method: clinical testing. Allele origin: germline.
Comment: This variant is not present in population databases (gnomAD no frequency). This sequence change creates a premature translational stop signal (p.Lys3901Asnfs*8) in the ALMS1 gene. It is expected to result in an absent or disrupted protein product. Loss-of-function variants in ALMS1 are known to be pathogenic (PMID: 17594715). This premature translational stop signal has been observed in individual(s) with clinical features of Alstrom syndrome (PMID: 25846608). For these reasons, this variant has been classified as Pathogenic. ClinVar contains an entry for this variant (Variation ID: 550013).

AURAGEN, Plan France Médecine Génomique
Classification: Pathogenic for Retinal disorder. Last evaluated: 2022-02-15. Review status: criteria provided, single submitter. Criteria: PFMG2025 (Lancet Reg Health Eur. 2025). Collection method: clinical testing. Allele origin: germline. Affected: yes.

Genome-Nilou Lab
Classification: Likely pathogenic for Alstrom syndrome. Last evaluated: 2021-07-22. Review status: criteria provided, single submitter. Criteria: ACMG Guidelines, 2015. Collection method: clinical testing. Allele origin: germline. Affected: no.

Blueprint Genetics
Classification: Pathogenic for ALMS1-related disorders. Last evaluated: 2019-01-08. Review status: criteria provided, single submitter. Criteria: ACMG Guidelines, 2015. Collection method: clinical testing. Allele origin: germline. Affected: yes. Observed: 2 variant alleles.

Counsyl
Classification: Likely pathogenic for Alstrom syndrome. Last evaluated: 2017-04-21. Review status: no assertion criteria provided. Collection method: clinical testing. Allele origin: unknown. Not counted in ClinVar's aggregate classification.

Literature cited by the submitters: PubMed 17594715 (cited by Labcorp Genetics (formerly Invitae), Labcorp); PubMed 25846608 (cited by Labcorp Genetics (formerly Invitae), Labcorp and Counsyl).

NM_001378454.1(ALMS1):c.11700del (p.Lys3900fs)

Gene: ALMS1 (ALMS1 centrosome and basal body associated protein; plus strand). Cytogenetic location: 2p13.1.
Variant type: Deletion.
Coding change: c.11700del on transcript NM_001378454.1 (MANE Select); coding-DNA position 11700, one base deleted (A; older notation c.11700delA).
Protein change: p.Lys3900fs; shifts the reading frame from lysine 3900.
Molecular consequence: frameshift variant.
Genome position (GRCh38, 1-based): chr2:73,600,709, A deleted; the last of 6 consecutive A bases (chr2:73,600,704-73,600,709); deleting any one gives the same sequence. VCF-style (leftmost placement, unchanged base first): chr2-73600703-CA-C. GRCh37 (hg19) VCF-style: chr2-73827830-CA-C.
Other names: c.11703delA (NM_015120.4); c.11703del, p.Lys3901fs (NM_015120.4); short protein forms K3901fs, K3900fs.
Identifiers: ClinVar variation 550013 (VCV000550013.14), dbSNP rs1553421626, ClinGen allele CA658822839.